The following is an entry in ClinVar:

ClinVar aggregate classification (germline): Likely pathogenic. Review status: reviewed by expert panel (3 of 4 stars). 2 submissions from 2 submitters: Likely pathogenic (1). 1 of the submissions does not count toward it. Last evaluated 2026-10-05.

Conditions:
Hereditary thrombocytopenia and hematological cancer predisposition syndrome associated with RUNX1. Also called: Familial Platelet Disorder with Propensity to Acute Myelogenous Leukemia; RUNX1 Familial Platelet Disorder with Associated Myeloid Malignancies; Familial thrombocytopenia with propensity to acute myelogenous leukemia; PLATELET DISORDER, ASPIRIN-LIKE. Identifiers: Orphanet 71290, MedGen C1832388, MeSH C563324, MONDO:0100083, OMIM 601399.
Hereditary thrombocytopenia and hematologic cancer predisposition syndrome. Identifiers: Orphanet 71290, MedGen CN281654, MONDO:0011071.

Submissions (2):

ClinGen Myeloid Malignancy Variant Curation Expert Panel
Classification: Likely pathogenic for Hereditary thrombocytopenia and hematologic cancer predisposition syndrome. Last evaluated: 2026-10-05. Review status: reviewed by expert panel. Criteria: ClinGen MyeloMalig ACMG Specifications V3.1. Collection method: curation. Allele origin: germline. Inheritance: Autosomal dominant inheritance.
Comment: NM_001754.5(RUNX1):c.501_508+2dup is a canonical splice site variant which is predicted to cause exon 5 skipping (PVS1). This variant is completely absent from all population databases with at least 20x coverage for RUNX1 (PM2_Supporting). In summary, this variant meets criteria to be classified as likely pathogenic. ACMG/AMP criteria applied, as specified by the Myeloid Malignancy Variant Curation Expert Panel for RUNX1: PVS1, PM2_Supporting.

Labcorp Genetics (formerly Invitae), Labcorp
Classification: Uncertain significance for Hereditary thrombocytopenia and hematological cancer predisposition syndrome associated with RUNX1. Last evaluated: 2024-06-20. Review status: criteria provided, single submitter. Criteria: Invitae Variant Classification Sherloc (09022015). Collection method: clinical testing. Allele origin: germline. Not counted in ClinVar's aggregate classification.
Comment: This sequence change falls in intron 5 of the RUNX1 gene. It does not directly change the encoded amino acid sequence of the RUNX1 protein. It affects a nucleotide within the consensus splice site. This variant is not present in population databases (gnomAD no frequency). This variant has not been reported in the literature in individuals affected with RUNX1-related conditions. Variants that disrupt the consensus splice site are a relatively common cause of aberrant splicing (PMID: 17576681, 9536098). In summary, the available evidence is currently insufficient to determine the role of this variant in disease. Therefore, it has been classified as a Variant of Uncertain Significance.

Literature cited by the submitters: PubMed 17576681 (cited by Labcorp Genetics (formerly Invitae), Labcorp); PubMed 9536098 (cited by Labcorp Genetics (formerly Invitae), Labcorp).

NM_001754.5(RUNX1):c.501_508+2dup

Genes: RUNX1 (RUNX family transcription factor 1; minus strand), RUNX1-AS1 (RUNX1 antisense RNA 1; plus strand). Cytogenetic location: 21q22.12.
Variant type: Duplication.
Coding change: c.501_508+2dup on transcript NM_001754.5 (MANE Select); coding-DNA position 501 through the canonical splice donor site of the intron after coding-DNA position 508, 10 bases duplicated (TGGAAGAGGT; older notation c.501_508+2dupTGGAAGAGGT).
Molecular consequence: splice donor variant.
Genome position (GRCh38, 1-based): chr21:34,880,555-34,880,564, ACCTCTTCCA duplicated on the plus strand (TGGAAGAGGT on the coding strand, the reverse complement: RUNX1 is on the minus strand). VCF-style (leftmost placement, unchanged base first): chr21-34880554-T-TACCTCTTCCA. GRCh37 (hg19) VCF-style: chr21-36252851-T-TACCTCTTCCA.
Other names: c.420_427+2dup (NM_001001890.3, NM_001122607.2).
Identifiers: ClinVar variation 3657150 (VCV003657150.3).